The following is an entry in ClinVar:

ClinVar aggregate classification (germline): Benign/Likely benign. Review status: criteria provided, multiple submitters, no conflicts (2 of 4 stars). 3 submissions from 3 submitters: Benign (1); Likely benign (2). Last evaluated 2026-02-03.

Conditions:
Hereditary cancer-predisposing syndrome. Also called: Hereditary neoplastic syndrome; Tumor predisposition; Neoplastic Syndromes, Hereditary; Hereditary Cancer Syndrome. Identifiers: Orphanet 140162, MedGen C0027672, MeSH D009386, MONDO:0015356.
Hereditary diffuse gastric adenocarcinoma (HDGC). Also called: DIFFUSE GASTRIC AND LOBULAR BREAST CANCER SYNDROME. Identifiers: Orphanet 26106, MedGen C1708349, MONDO:0007648, OMIM 137215.

Allele frequency attached by ClinVar (database versions not stated): ExAC 0.00001; gnomAD exomes 0.00001 and below 0.00001.
gnomAD v4.1: 12 of 1,614,080 alleles (0.00074%); highest among the groups gnomAD compares: South Asian, 0.0011%; no homozygotes.

Submissions (3):

Labcorp Genetics (formerly Invitae), Labcorp
Classification: Likely benign. Last evaluated: 2026-02-03. Review status: criteria provided, single submitter. Criteria: Invitae Variant Classification Sherloc (09022015). Collection method: clinical testing. Allele origin: germline.

Myriad Genetics, Inc.
Classification: Benign for Hereditary diffuse gastric adenocarcinoma. Last evaluated: 2024-10-15. Review status: criteria provided, single submitter. Criteria: Myriad Autosomal Dominant, Autosomal Recessive and X-Linked Classification Criteria (2023). Collection method: clinical testing. Allele origin: unknown.
Comment: This variant is considered benign. This variant is a silent/synonymous amino acid change and it is not expected to impact splicing.

Ambry Genetics
Classification: Likely benign for Hereditary cancer-predisposing syndrome. Last evaluated: 2022-06-24. Review status: criteria provided, single submitter. Criteria: Ambry Variant Classification Scheme 2023. Collection method: clinical testing. Allele origin: germline.

NM_001903.5(CTNNA1):c.2472C>T (p.Asn824=)

Gene: CTNNA1 (catenin alpha 1; plus strand). Cytogenetic location: 5q31.2.
Variant type: single nucleotide variant.
Coding change: c.2472C>T on transcript NM_001903.5 (MANE Select); coding-DNA position 2472, C replaced by T.
Protein change: p.Asn824=; no amino-acid change (asparagine 824 retained).
Molecular consequence: synonymous variant. On other transcripts: 3 prime UTR variant (5).
Genome position (GRCh38, 1-based): chr5:138,933,840, C>T. VCF-style: chr5-138933840-C-T. GRCh37 (hg19) VCF-style: chr5-138269529-C-T.
Other names: c.2163C>T, p.Asn721= (NM_001290309.3); c.2103C>T, p.Asn701= (NM_001290310.3); c.1362C>T, p.Asn454= (NM_001290312.1, NM_001323987.1, NM_001323988.1 and 12 more transcripts); c.2472C>T, p.Asn824= (NM_001323982.2, NM_001323983.1, NM_001323984.2); c.2445C>T, p.Asn815= (NM_001323985.2); c.2379C>T, p.Asn793= (NM_001323986.2); c.1227C>T, p.Asn409= (NM_001324001.1); c.*17C>T (NM_001324002.1, NM_001324003.1, NM_001324004.1 and 2 more transcripts); and 3 more.
Identifiers: ClinVar variation 1109167 (VCV001109167.12), dbSNP rs778017565, ClinGen allele CA3432249.
Genomic context (GRCh38, chr5:138,933,840, plus strand): 5'-ACCACCCCTGTCTGCCTCGTAGGTGGACAGCGCCATGTCCCTGATCCAGGCAGCCAAGAA[C>T]TTGATGAATGCTGTGGTGCAGACAGTGAAGGCATCCTACGTCGCCTCTACCAAATACCAA-3'
Protein context (NP_001894.2, residues 814-834): SAMSLIQAAK[Asn824=]LMNAVVQTVK